The following is an entry in ClinVar:

NM_004369.4(COL6A3):c.8945C>T (p.Pro2982Leu)

Gene: COL6A3 (collagen type VI alpha 3 chain; minus strand). Cytogenetic location: 2q37.3.
Variant type: single nucleotide variant.
Coding change: c.8945C>T on transcript NM_004369.4 (MANE Select); coding-DNA position 8945, C replaced by T.
Protein change: p.Pro2982Leu; replaces proline 2982 with leucine.
Molecular consequence: missense variant.
Genome position (GRCh38, 1-based): chr2:237,336,155, G>A on the plus strand (C>T on the coding strand, the complement: COL6A3 is on the minus strand). VCF-style: chr2-237336155-G-A. GRCh37 (hg19) VCF-style: chr2-238244798-G-A.
Other names: c.7124C>T, p.Pro2375Leu (NM_057166.5); c.8327C>T, p.Pro2776Leu (NM_057167.4); short protein forms P2375L, P2776L, P2982L.
Identifiers: ClinVar variation 1308767 (VCV001308767.2), dbSNP rs1700531524, ClinGen allele CA351190927.

ClinVar aggregate classification (germline): Uncertain significance (1 of 4 stars; one submission).

Allele frequency attached by ClinVar (database versions not stated): TOPMed below 0.00001; gnomAD 0.00001.
gnomAD v4.1: 1 of 1,613,328 alleles (0.000062%); highest among the groups gnomAD compares: South Asian, 0.0011%; no homozygotes.

Submission:

GeneDx
Classification: Uncertain significance. Last evaluated: 2021-06-03. Review status: criteria provided, single submitter. Criteria: GeneDx Variant Classification Process June 2021. Collection method: clinical testing. Allele origin: germline. Affected: yes.
Comment: Not observed at significant frequency in large population cohorts (Lek et al., 2016); In silico analysis supports that this missense variant does not alter protein structure/function; Has not been previously published as pathogenic or benign to our knowledge; This variant is associated with the following publications: (PMID: 27535533)